The following is an entry in ClinVar:

ClinVar aggregate classification (germline): Uncertain significance (1 of 4 stars; one submission).

Conditions:
Ataxia-telangiectasia syndrome (AT). Also called: LOUIS-BAR SYNDROME; Cerebello-oculocutaneous telangiectasia; Immunodeficiency with ataxia telangiectasia; Ataxia-telangiectasia, complementation group E; Ataxia-telangiectasia, complementation group D; AT, COMPLEMENTATION GROUP C. Identifiers: Orphanet 100, MedGen C0004135, MONDO:0008840, OMIM 208900.

Submission:

Neuberg Centre For Genomic Medicine, NCGM
Classification: Uncertain significance for Ataxia-telangiectasia syndrome. Review status: criteria provided, single submitter. Criteria: ACMG Guidelines, 2015. Collection method: clinical testing. Allele origin: germline. Inheritance: Autosomal recessive inheritance. Affected: yes.
Comment: The splice site c.8418+4A>C variant has not been reported previously as a pathogenic variant nor as a benign variant, to our knowledge. The variant is novel (not in any individuals) in gnomAD and in 1000 Genomes. This variant has not been reported to the ClinVar database. For these reasons, this variant has been classified as uncertain significance.

NM_000051.4(ATM):c.8418+4A>C

Genes: ATM (ATM serine/threonine kinase; plus strand), C11orf65 (chromosome 11 open reading frame 65; minus strand). Cytogenetic location: 11q22.3.
Variant type: single nucleotide variant.
Coding change: c.8418+4A>C on transcript NM_000051.4 (MANE Select); 4 bases into the intron after coding-DNA position 8418, A replaced by C.
Molecular consequence: intron variant.
Genome position (GRCh38, 1-based): chr11:108,343,375, A>C. VCF-style: chr11-108343375-A-C. GRCh37 (hg19) VCF-style: chr11-108214102-A-C.
Other names: c.8418+4A>C (NM_001351834.2); c.641-34304T>G (NM_001330368.2); c.695-8083T>G (NM_001351110.2).
Identifiers: ClinVar variation 2585320 (VCV002585320.1), dbSNP rs2136954319, ClinGen allele CA2582342465.
Genomic context (GRCh38, chr11:108,343,375, plus strand): 5'-CATAAAAGATACAGGCCAAATGATTTCAGTGCCTTTCAGTGCCAAAAGAAAATGATGGTG[A>C]GTGACACCCAAAATTAAAGGTTATTGTAAGATTATTTAATGGCTTATTAAAGCTGACAGC-3'